The following is an entry in ClinVar:

NM_004901.5(ENTPD4):c.801G>A (p.Ala267=)

Gene: ENTPD4 (ectonucleoside triphosphate diphosphohydrolase 4; minus strand). Cytogenetic location: 8p21.3.
Variant type: single nucleotide variant.
Coding change: c.801G>A on transcript NM_004901.5 (MANE Select); coding-DNA position 801, G replaced by A.
Protein change: p.Ala267=; no amino-acid change (alanine 267 retained).
Molecular consequence: synonymous variant.
Genome position (GRCh38, 1-based): chr8:23,441,650, C>T on the plus strand (G>A on the coding strand, the complement: ENTPD4 is on the minus strand). VCF-style: chr8-23441650-C-T. GRCh37 (hg19) VCF-style: chr8-23299163-C-T.
Other names: c.801G>A, p.Ala267= (NM_001128930.3).
Identifiers: ClinVar variation 2658481 (VCV002658481.24), dbSNP rs113598172, ClinGen allele CA4677106.

ClinVar aggregate classification (germline): Likely benign (1 of 4 stars; one submission).

Allele frequency attached by ClinVar (database versions not stated): 1000 Genomes Project 30x 0.00047; 1000 Genomes Project 0.00060; TOPMed 0.00259; gnomAD 0.00287; ExAC 0.00297; ESP Exome Variant Server 0.00338.
gnomAD v4.1: 6,137 of 1,614,190 alleles (0.38%); highest among the groups gnomAD compares: Non-Finnish European, 0.44%; 11 homozygotes.

Submission:

CeGaT Center for Human Genetics Tuebingen
Classification: Likely benign. Last evaluated: 2022-10-01. Review status: criteria provided, single submitter. Criteria: CeGaT Center For Human Genetics Tuebingen Variant Classification Criteria Version 2. Collection method: clinical testing. Allele origin: germline. Affected: yes. Observed: 1 variant allele.
Comment: ENTPD4: BP4, BP7